The following is an entry in ClinVar:

NM_001903.5(CTNNA1):c.1240A>G (p.Lys414Glu)

Gene: CTNNA1 (catenin alpha 1; plus strand). Cytogenetic location: 5q31.2.
Variant type: single nucleotide variant.
Coding change: c.1240A>G on transcript NM_001903.5 (MANE Select); coding-DNA position 1240, A replaced by G.
Protein change: p.Lys414Glu; replaces lysine 414 with glutamic acid.
Molecular consequence: missense variant. On other transcripts: 5 prime UTR variant (5), intron variant (2).
Genome position (GRCh38, 1-based): chr5:138,887,586, A>G. VCF-style: chr5-138887586-A-G. GRCh37 (hg19) VCF-style: chr5-138223275-A-G.
Other names: c.1240A>G (NM_001903.2); c.1240A>G, p.Lys414Glu (NM_001290307.3, NM_001323982.2, NM_001323983.1 and 3 more transcripts); c.931A>G, p.Lys311Glu (NM_001290309.3); c.871A>G, p.Lys291Glu (NM_001290310.3); c.130A>G, p.Lys44Glu (NM_001290312.1, NM_001323987.1, NM_001323988.1 and 18 more transcripts); c.-268A>G (NM_001324006.1, NM_001324007.1, NM_001324008.1 and 1 more transcripts); c.-143A>G (NM_001324013.1); c.-58+11989A>G (NM_001324012.1); and 1 more; short protein forms K291E, K311E, K414E, K44E.
Identifiers: ClinVar variation 1002050 (VCV001002050.10), dbSNP rs1754351069, ClinGen allele CA361133146.

ClinVar aggregate classification (germline): Uncertain significance. Review status: criteria provided, multiple submitters, no conflicts (2 of 4 stars). 2 submissions from 2 submitters: Uncertain significance (2). Last evaluated 2023-07-27.

Conditions:
Hereditary cancer-predisposing syndrome. Also called: Neoplastic Syndromes, Hereditary; Tumor predisposition; Hereditary Cancer Syndrome; Hereditary neoplastic syndrome. Identifiers: Orphanet 140162, MedGen C0027672, MeSH D009386, MONDO:0015356.

Submissions (2):

Ambry Genetics
Classification: Uncertain significance for Hereditary cancer-predisposing syndrome. Last evaluated: 2023-07-27. Review status: criteria provided, single submitter. Criteria: Ambry Variant Classification Scheme 2023. Collection method: clinical testing. Allele origin: germline.
Comment: The p.K414E variant (also known as c.1240A>G), located in coding exon 8 of the CTNNA1 gene, results from an A to G substitution at nucleotide position 1240. The lysine at codon 414 is replaced by glutamic acid, an amino acid with similar properties. This amino acid position is conserved. In addition, the in silico prediction for this alteration is inconclusive. Since supporting evidence is limited at this time, the clinical significance of this alteration remains unclear.

Labcorp Genetics (formerly Invitae), Labcorp
Classification: Uncertain significance. Last evaluated: 2020-06-23. Review status: criteria provided, single submitter. Criteria: Invitae Variant Classification Sherloc (09022015). Collection method: clinical testing. Allele origin: germline.
Comment: This sequence change replaces lysine with glutamic acid at codon 414 of the CTNNA1 protein (p.Lys414Glu). The lysine residue is highly conserved and there is a small physicochemical difference between lysine and glutamic acid. In summary, the available evidence is currently insufficient to determine the role of this variant in disease. Therefore, it has been classified as a Variant of Uncertain Significance. Algorithms developed to predict the effect of missense changes on protein structure and function are either unavailable or do not agree on the potential impact of this missense change (SIFT: "Deleterious"; PolyPhen-2: "Benign"; Align-GVGD: "Class C0"). This variant has not been reported in the literature in individuals with CTNNA1-related conditions. This variant is not present in population databases (ExAC no frequency).